The following is an entry in ClinVar:

ClinVar aggregate classification (germline): Uncertain significance. Review status: criteria provided, multiple submitters, no conflicts (2 of 4 stars). 2 submissions from 2 submitters: Uncertain significance (2). Last evaluated 2026-06-26.

Conditions:
Inborn genetic diseases. Identifiers: MedGen C0950123, MeSH D030342.

Allele frequency attached by ClinVar (database versions not stated): gnomAD 0.00001; gnomAD exomes below 0.00001.
gnomAD v4.1: 5 of 1,606,300 alleles (0.00031%); highest among the groups gnomAD compares: Middle Eastern, 0.017%; no homozygotes.

Submissions (2):

Ambry Genetics
Classification: Uncertain significance for Inborn genetic diseases. Last evaluated: 2026-06-26. Review status: criteria provided, single submitter. Criteria: Ambry Variant Classification Scheme 2023. Collection method: clinical testing. Allele origin: germline.
Comment: The c.3250-3T>C intronic alteration consists of a T to C substitution 3 nucleotides before coding exon 21 in the CLTC gene. This variant was not reported in population-based cohorts in the Genome Aggregation Database (gnomAD). Based on insufficient or conflicting evidence, the clinical significance of this alteration remains unclear.

Labcorp Genetics (formerly Invitae), Labcorp
Classification: Uncertain significance. Last evaluated: 2023-04-27. Review status: criteria provided, single submitter. Criteria: Invitae Variant Classification Sherloc (09022015). Collection method: clinical testing. Allele origin: germline.
Comment: This variant is not present in population databases (gnomAD no frequency). This sequence change falls in intron 20 of the CLTC gene. It does not directly change the encoded amino acid sequence of the CLTC protein. It affects a nucleotide within the consensus splice site. This variant has not been reported in the literature in individuals affected with CLTC-related conditions. In summary, the available evidence is currently insufficient to determine the role of this variant in disease. Therefore, it has been classified as a Variant of Uncertain Significance. Variants that disrupt the consensus splice site are a relatively common cause of aberrant splicing (PMID: 17576681, 9536098). Algorithms developed to predict the effect of sequence changes on RNA splicing suggest that this variant is not likely to affect RNA splicing. ClinVar contains an entry for this variant (Variation ID: 1354957).

Literature cited by the submitters: PubMed 17576681 (cited by Labcorp Genetics (formerly Invitae), Labcorp); PubMed 9536098 (cited by Labcorp Genetics (formerly Invitae), Labcorp).

NM_004859.4(CLTC):c.3250-3T>C

Gene: CLTC (clathrin heavy chain; plus strand). Cytogenetic location: 17q23.1.
Variant type: single nucleotide variant.
Coding change: c.3250-3T>C on transcript NM_004859.4 (MANE Select); 3 bases into the intron before coding-DNA position 3250, T replaced by C.
Molecular consequence: intron variant.
Genome position (GRCh38, 1-based): chr17:59,681,644, T>C. VCF-style: chr17-59681644-T-C. GRCh37 (hg19) VCF-style: chr17-57759005-T-C.
Other names: c.3262-3T>C (NM_001288653.2); c.3250-3T>C (NM_004859.3).
Identifiers: ClinVar variation 1354957 (VCV001354957.7), dbSNP rs2033083719, ClinGen allele CA985117809.
Genomic context (GRCh38, chr17:59,681,644, plus strand): 5'-AATGTAATTGCTTTGGGTAGGATTGATTTTACTCTAACCCTAATTTCAAACTTGGATACT[T>C]AGGTCTTAATTGAGCATATTGGAAACTTGGATCGGGCATATGAGTTTGCTGAACGTTGCA-3'